The following is an entry in ClinVar:

NM_004006.3(DMD):c.9749_9767dup (p.Asn3258fs)

Gene: DMD (dystrophin; minus strand). Cytogenetic location: Xp21.2.
Variant type: Duplication.
Coding change: c.9749_9767dup on transcript NM_004006.3 (MANE Select); coding-DNA positions 9749 to 9767, 19 bases duplicated (AAGTTGCATCCTTTGGGGG).
Protein change: p.Asn3258fs; shifts the reading frame from asparagine 3258.
Molecular consequence: frameshift variant.
Genome position (GRCh38, 1-based): chrX:31,204,001-31,204,019, CCCCCAAAGGATGCAACTT duplicated on the plus strand (AAGTTGCATCCTTTGGGGG on the coding strand, the reverse complement: DMD is on the minus strand); duplicating any 19 consecutive bases within chrX:31,204,001-31,204,020 gives the same sequence; the c. name uses the placement nearest the transcript's 3' end. VCF-style (leftmost placement, unchanged base first): chrX-31204000-G-GCCCCCAAAGGATGCAACTT. GRCh37 (hg19) VCF-style: chrX-31222117-G-GCCCCCAAAGGATGCAACTT.
Other names: c.9725_9743dup, p.Asn3250fs (NM_000109.4); c.9737_9755dup, p.Asn3254fs (NM_004009.3); c.9380_9398dup, p.Asn3135fs (NM_004010.3); c.5726_5744dup, p.Asn1917fs (NM_004011.4); c.5717_5735dup, p.Asn1914fs (NM_004012.4); c.2369_2387dup, p.Asn798fs (NM_004013.3, NM_004020.4, NM_004021.3 and 2 more transcripts); c.1562_1580dup, p.Asn529fs (NM_004014.3); c.545_563dup, p.Asn190fs (NM_004015.3, NM_004016.3, NM_004017.3 and 2 more transcripts); short protein forms N1914fs, N3250fs, N3258fs, N798fs, N190fs, N1917fs, N3135fs, N3254fs.
Identifiers: ClinVar variation 1398448 (VCV001398448.6), dbSNP rs2148540742, ClinGen allele CA2573158725.
Genomic context (GRCh38, chrX:31,204,000, plus strand): 5'-CCTAGAAGGTGAATAACTTACAAATTGGAAGCAGCTCCGGACACTTGGCTCAATGTTACT[G>GCCCCCAAAGGATGCAACTT]CCCCCAAAGGATGCAACTTCACCCAACTGTCTTGGAATTTGGATAGAATCATGCAGAAGG-3'

ClinVar aggregate classification (germline): Pathogenic (1 of 4 stars; one submission).

Conditions:
Duchenne muscular dystrophy (DMD). Also called: MUSCULAR DYSTROPHY, PSEUDOHYPERTROPHIC PROGRESSIVE, DUCHENNE TYPE; Duchenne Muscular Dystrophy (DMD). Identifiers: Orphanet 98896, MedGen C0013264, MONDO:0010679, OMIM 310200.

Submission:

Labcorp Genetics (formerly Invitae), Labcorp
Classification: Pathogenic for Duchenne muscular dystrophy. Last evaluated: 2021-07-04. Review status: criteria provided, single submitter. Criteria: Invitae Variant Classification Sherloc (09022015). Collection method: clinical testing. Allele origin: germline.
Comment: This sequence change creates a premature translational stop signal (p.Asn3258Cysfs*7) in the DMD gene. It is expected to result in an absent or disrupted protein product. Loss-of-function variants in DMD are known to be pathogenic (PMID: 16770791, 25007885). This variant is not present in population databases (ExAC no frequency). This variant has not been reported in the literature in individuals affected with DMD-related conditions. For these reasons, this variant has been classified as Pathogenic.

Literature cited by the submitters: PubMed 16770791; PubMed 25007885.